The following is an entry in ClinVar:

ClinVar aggregate classification (germline): Pathogenic/Likely pathogenic. Review status: criteria provided, multiple submitters, no conflicts (2 of 4 stars). 2 submissions from 2 submitters: Pathogenic (1); Likely pathogenic (1). Last evaluated 2026-03-12.

Conditions:
Finnish congenital nephrotic syndrome (NPHS1). Also called: NEPHROTIC SYNDROME, TYPE 1. Identifiers: Orphanet 839, MedGen C0403399, MONDO:0009732, OMIM 256300.

Submissions (2):

Myriad Genetics, Inc.
Classification: Pathogenic for Finnish congenital nephrotic syndrome. Last evaluated: 2026-03-12. Review status: criteria provided, single submitter. Criteria: Myriad Autosomal Dominant, Autosomal Recessive and X-Linked Classification Criteria (2023). Collection method: clinical testing. Allele origin: unknown.
Comment: NM_004646.3(NPHS1):c.3352C>T(Q1118*) is expected to be pathogenic in the context of nephrotic syndrome, NPHS1-related. This variant is predicted to lead to an abnormal or absent protein product due to the creation of a premature termination codon in NPHS1, a gene where loss-of-function variants are known to be pathogenic. Please note: this variant was assessed in the context of healthy population screening.

Baylor Genetics
Classification: Likely pathogenic for Finnish congenital nephrotic syndrome. Last evaluated: 2023-07-11. Review status: criteria provided, single submitter. Criteria: ACMG Guidelines, 2015. Collection method: clinical testing. Allele origin: unknown.

NM_004646.4(NPHS1):c.3352C>T (p.Gln1118Ter)

Gene: NPHS1 (NPHS1 adhesion molecule, nephrin; minus strand). Cytogenetic location: 19q13.12.
Variant type: single nucleotide variant.
Coding change: c.3352C>T on transcript NM_004646.4 (MANE Select); coding-DNA position 3352, C replaced by T.
Protein change: p.Gln1118Ter; replaces glutamine 1118 with a stop codon.
Molecular consequence: nonsense.
Genome position (GRCh38, 1-based): chr19:35,831,331, G>A on the plus strand (C>T on the coding strand, the complement: NPHS1 is on the minus strand). VCF-style: chr19-35831331-G-A. GRCh37 (hg19) VCF-style: chr19-36322233-G-A.
Other names: short protein forms Q1118*.
Identifiers: ClinVar variation 2677299 (VCV002677299.2), dbSNP rs1438328274, ClinGen allele CA405416620.
Genomic context (GRCh38, chr19:35,831,331, plus strand): 5'-GGTCACCAGGGCCACCCCCACTTACCGTGGAGCTCTGAGTGTCCCGCTCTCCTGTCCACT[G>A]GCTCTCCTCATATTCGTTCCTGACTCGGTCCTCTTCCGACCTTCCAGGATGAAGGTGTGG-3'